The following is an entry in ClinVar:

ClinVar aggregate classification (germline): Uncertain significance (1 of 4 stars; one submission).

Conditions:
Fanconi anemia complementation group J. Also called: BRIP1-Related Fanconi Anemia. Identifiers: Orphanet 84, MedGen C1836860, MONDO:0012187, OMIM 609054.
Familial cancer of breast. Also called: BREAST CANCER, FAMILIAL; hereditary breast carcinoma; Hereditary breast cancer. Identifiers: Orphanet 227535, MedGen C0346153, MONDO:0016419, OMIM 114480. Disease mechanism: loss of function.

Submission:

Labcorp Genetics (formerly Invitae), Labcorp
Classification: Uncertain significance for Familial cancer of breast; Fanconi anemia complementation group J. Last evaluated: 2021-08-30. Review status: criteria provided, single submitter. Criteria: Invitae Variant Classification Sherloc (09022015). Collection method: clinical testing. Allele origin: germline.
Comment: This sequence change replaces aspartic acid with histidine at codon 236 of the BRIP1 protein (p.Asp236His). The aspartic acid residue is moderately conserved and there is a moderate physicochemical difference between aspartic acid and histidine. This variant is not present in population databases (ExAC no frequency). This variant has not been reported in the literature in individuals affected with BRIP1-related conditions. Algorithms developed to predict the effect of missense changes on protein structure and function are either unavailable or do not agree on the potential impact of this missense change (SIFT: "Tolerated"; PolyPhen-2: "Possibly Damaging"; Align-GVGD: "Class C0"). In summary, the available evidence is currently insufficient to determine the role of this variant in disease. Therefore, it has been classified as a Variant of Uncertain Significance.

NM_032043.3(BRIP1):c.706G>C (p.Asp236His)

Gene: BRIP1 (BRCA1 interacting DNA helicase 1; minus strand). Cytogenetic location: 17q23.2.
Variant type: single nucleotide variant.
Coding change: c.706G>C on transcript NM_032043.3 (MANE Select); coding-DNA position 706, G replaced by C.
Protein change: p.Asp236His; replaces aspartic acid 236 with histidine.
Molecular consequence: missense variant.
Genome position (GRCh38, 1-based): chr17:61,808,679, C>G on the plus strand (G>C on the coding strand, the complement: BRIP1 is on the minus strand). VCF-style: chr17-61808679-C-G. GRCh37 (hg19) VCF-style: chr17-59886040-C-G.
Other names: short protein forms D236H.
Identifiers: ClinVar variation 530333 (VCV000530333.7), dbSNP rs1555609300, ClinGen allele CA400485087.